The following is an entry in ClinVar:

ClinVar aggregate classification (germline): Uncertain significance. Review status: criteria provided, multiple submitters, no conflicts (2 of 4 stars). 2 submissions from 2 submitters: Uncertain significance (2). Last evaluated 2025-03-17.

Conditions:
Inborn genetic diseases. Identifiers: MedGen C0950123, MeSH D030342.

Allele frequency attached by ClinVar (database versions not stated): ExAC 0.00002; TOPMed 0.00002; gnomAD 0.00003 and 0.00007; ESP Exome Variant Server 0.00008.
gnomAD v4.1: 13 of 1,614,064 alleles (0.00081%); highest among the groups gnomAD compares: South Asian, 0.0066%; 1 homozygote.

Submissions (2):

Labcorp Genetics (formerly Invitae), Labcorp
Classification: Uncertain significance. Last evaluated: 2025-03-17. Review status: criteria provided, single submitter. Criteria: Invitae Variant Classification Sherloc (09022015). Collection method: clinical testing. Allele origin: germline.
Comment: This sequence change replaces valine, which is neutral and non-polar, with leucine, which is neutral and non-polar, at codon 543 of the VCAN protein (p.Val543Leu). This variant is present in population databases (rs372953890, gnomAD 0.003%). This variant has not been reported in the literature in individuals affected with VCAN-related conditions. ClinVar contains an entry for this variant (Variation ID: 1025566). An algorithm developed to predict the effect of missense changes on protein structure and function outputs the following: PolyPhen-2: "Benign". The leucine amino acid residue is found in multiple mammalian species, which suggests that this missense change does not adversely affect protein function. Algorithms developed to predict the effect of sequence changes on RNA splicing suggest that this variant may create or strengthen a splice site. In summary, the available evidence is currently insufficient to determine the role of this variant in disease. Therefore, it has been classified as a Variant of Uncertain Significance.

Ambry Genetics
Classification: Uncertain significance for Inborn genetic diseases. Last evaluated: 2024-12-21. Review status: criteria provided, single submitter. Criteria: Ambry Variant Classification Scheme 2023. Collection method: clinical testing. Allele origin: germline.

NM_004385.5(VCAN):c.1627G>T (p.Val543Leu)

Gene: VCAN (versican; plus strand). Cytogenetic location: 5q14.3.
Variant type: single nucleotide variant.
Coding change: c.1627G>T on transcript NM_004385.5 (MANE Select); coding-DNA position 1627, G replaced by T.
Protein change: p.Val543Leu; replaces valine 543 with leucine.
Molecular consequence: missense variant. On other transcripts: intron variant (2).
Genome position (GRCh38, 1-based): chr5:83,519,933, G>T. VCF-style: chr5-83519933-G-T. GRCh37 (hg19) VCF-style: chr5-82815752-G-T.
Other names: c.1627G>T, p.Val543Leu (NM_001164098.2); c.1042+7537G>T (NM_001164097.2, NM_001126336.3); c.1627G>T (NM_004385.4); short protein forms V543L.
Identifiers: ClinVar variation 1025566 (VCV001025566.7), dbSNP rs372953890, ClinGen allele CA3332708.
Genomic context (GRCh38, chr5:83,519,933, plus strand): 5'-GCAAGAATGATCCTGGAATCCAAAACTGAAAAGAAAATGGTAAGCACTGTTTCTGAATTG[G>T]TAACCACAGGTCACTATGGATTCACCTTGGGAGAAGAGGATGATGAAGACAGAACACTTA-3'
Protein context (NP_004376.2, residues 533-553): KKMVSTVSEL[Val543Leu]TTGHYGFTLG